The following is an entry in ClinVar:

ClinVar aggregate classification (germline): Uncertain significance (1 of 4 stars; one submission).

Submission:

GeneDx
Classification: Uncertain significance. Last evaluated: 2024-09-23. Review status: criteria provided, single submitter. Criteria: GeneDx Variant Classification Process June 2021. Collection method: clinical testing. Allele origin: germline. Affected: yes.
Comment: Not observed at significant frequency in large population cohorts (gnomAD); Frameshift variant predicted to result in protein truncation or nonsense mediated decay in a gene or region of a gene for which loss of function is not a well-established mechanism of disease; Has not been previously published as pathogenic or benign to our knowledge

NM_001967.4(EIF4A2):c.60_61delinsA (p.Asp21fs)

Genes: EIF4A2 (eukaryotic translation initiation factor 4A2; plus strand), LOC129938104 (ATAC-STARR-seq lymphoblastoid active region 20943; plus strand). Cytogenetic location: 3q27.3.
Variant type: Indel.
Coding change: c.60_61delinsA on transcript NM_001967.4 (MANE Select); coding-DNA positions 60 to 61, CG replaced by A.
Protein change: p.Asp21fs; shifts the reading frame from aspartic acid 21.
Molecular consequence: frameshift variant.
Genome position (GRCh38, 1-based): chr3:186,784,462-186,784,463, CG replaced by A. VCF-style: chr3-186784462-CG-A. GRCh37 (hg19) VCF-style: chr3-186502251-CG-A.
Other names: short protein forms D21fs.
Identifiers: ClinVar variation 3774732 (VCV003774732.1).